The following is an entry in ClinVar:

ClinVar aggregate classification (germline): Uncertain significance. Review status: criteria provided, multiple submitters, no conflicts (2 of 4 stars). 2 submissions from 2 submitters: Uncertain significance (2). Last evaluated 2026-01-14.

Allele frequency attached by ClinVar (database versions not stated): gnomAD exomes 0.00008 and 0.00010; ExAC 0.00014; ESP Exome Variant Server 0.00031; TOPMed 0.00039; gnomAD 0.00042 and 0.00046; 1000 Genomes Project 30x 0.00047; 1000 Genomes Project 0.00060.

Submissions (2):

Labcorp Genetics (formerly Invitae), Labcorp
Classification: Uncertain significance. Last evaluated: 2026-01-14. Review status: criteria provided, single submitter. Criteria: Invitae Variant Classification Sherloc (09022015). Collection method: clinical testing. Allele origin: germline.
Comment: This sequence change replaces threonine, which is neutral and polar, with serine, which is neutral and polar, at codon 158 of the KIF20A protein (p.Thr158Ser). This variant is present in population databases (rs138159079, gnomAD 0.1%), and has an allele count higher than expected for a pathogenic variant. This variant has not been reported in the literature in individuals affected with KIF20A-related conditions. ClinVar contains an entry for this variant (Variation ID: 1418696). An algorithm developed to predict the effect of missense changes on protein structure and function (PolyPhen-2) suggests that this variant is likely to be disruptive. In summary, the available evidence is currently insufficient to determine the role of this variant in disease. Therefore, it has been classified as a Variant of Uncertain Significance.

Clinical Genetics Laboratory, Skane University Hospital Lund
Classification: Uncertain significance. Last evaluated: 2024-02-06. Review status: criteria provided, single submitter. Criteria: ACMG Guidelines, 2015. Collection method: clinical testing. Allele origin: germline. Affected: yes.

NM_005733.3(KIF20A):c.472A>T (p.Thr158Ser)

Gene: KIF20A (kinesin family member 20A; plus strand). Cytogenetic location: 5q31.2.
Variant type: single nucleotide variant.
Coding change: c.472A>T on transcript NM_005733.3 (MANE Select); coding-DNA position 472, A replaced by T.
Protein change: p.Thr158Ser; replaces threonine 158 with serine.
Molecular consequence: missense variant.
Genome position (GRCh38, 1-based): chr5:138,182,419, A>T. VCF-style: chr5-138182419-A-T. GRCh37 (hg19) VCF-style: chr5-137518108-A-T.
Other names: short protein forms T158S.
Identifiers: ClinVar variation 1418696 (VCV001418696.7), dbSNP rs138159079, ClinGen allele CA3426317.
Genomic context (GRCh38, chr5:138,182,419, plus strand): 5'-AACCTAACTGTGAAGGAGATGGTAAAGGATGTACTCAAAGGGCAGAACTGGCTCATCTAT[A>T]CATATGGAGTCACTAACTCAGGGAAAACCCACACGATTCAAGGTGAGTAGTAAGCCTTCA-3'
Protein context (NP_005724.1, residues 148-168): VLKGQNWLIY[Thr158Ser]YGVTNSGKTH